The following is an entry in ClinVar:

NM_022356.4(P3H1):c.2055+12T>C

Gene: P3H1 (prolyl 3-hydroxylase 1; minus strand). Cytogenetic location: 1p34.2.
Variant type: single nucleotide variant.
Coding change: c.2055+12T>C on transcript NM_022356.4 (MANE Select); 12 bases into the intron after coding-DNA position 2055, T replaced by C.
Molecular consequence: intron variant. On other transcripts: synonymous variant (2).
Genome position (GRCh38, 1-based): chr1:42,747,260, A>G on the plus strand (T>C on the coding strand, the complement: P3H1 is on the minus strand). VCF-style: chr1-42747260-A-G. GRCh37 (hg19) VCF-style: chr1-43212931-A-G.
Other names: c.2067T>C, p.Ala689= (NM_001146289.2, NM_001243246.2); c.2067T>C (NM_001243246.1).
Identifiers: ClinVar variation 1595375 (VCV001595375.10), dbSNP rs372785606, ClinGen allele CA801607.

ClinVar aggregate classification (germline): Likely benign. Review status: criteria provided, single submitter (1 of 4 stars). 2 submissions from 2 submitters: Likely benign (1). 1 of the submissions does not count toward it. Last evaluated 2025-12-14.

Conditions:
P3H1-related disorder. Also called: P3H1-related condition.
Osteogenesis imperfecta type 8 (OI8). Identifiers: MedGen C1970458, MONDO:0012581, OMIM 610915.

Allele frequency attached by ClinVar (database versions not stated): ExAC 0.00002; gnomAD 0.00003 and 0.00004; gnomAD exomes 0.00006; TOPMed 0.00008; ESP Exome Variant Server 0.00015.
gnomAD v4.1: 195 of 1,613,478 alleles (0.012%); highest among the groups gnomAD compares: Non-Finnish European, 0.016%; no homozygotes.

Submissions (2):

Labcorp Genetics (formerly Invitae), Labcorp
Classification: Likely benign for Osteogenesis imperfecta type 8. Last evaluated: 2025-12-14. Review status: criteria provided, single submitter. Criteria: Invitae Variant Classification Sherloc (09022015). Collection method: clinical testing. Allele origin: germline.

PreventionGenetics, part of Exact Sciences
Classification: Likely benign for P3H1-related condition. Last evaluated: 2023-11-19. Review status: no assertion criteria provided. Collection method: clinical testing. Allele origin: germline. Not counted in ClinVar's aggregate classification.
Comment: This variant is classified as likely benign based on ACMG/AMP sequence variant interpretation guidelines (Richards et al. 2015 PMID: 25741868, with internal and published modifications).